The following is an entry in ClinVar:

ClinVar aggregate classification (germline): Likely pathogenic (1 of 4 stars; one submission).

Submission:

GeneDx
Classification: Likely pathogenic. Last evaluated: 2020-04-09. Review status: criteria provided, single submitter. Criteria: GeneDx Variant Classification Process June 2021. Collection method: clinical testing. Allele origin: germline. Affected: yes.
Comment: Not observed in large population cohorts (Lek et al., 2016); In silico analysis, which includes protein predictors and evolutionary conservation, supports that this variant does not alter protein structure/function; Has not been previously published as pathogenic or benign to our knowledge

NM_000810.4(GABRA5):c.871G>C (p.Val291Leu)

Gene: GABRA5 (gamma-aminobutyric acid type A receptor subunit alpha5; plus strand). Cytogenetic location: 15q12.
Variant type: single nucleotide variant.
Coding change: c.871G>C on transcript NM_000810.4 (MANE Select); coding-DNA position 871, G replaced by C.
Protein change: p.Val291Leu; replaces valine 291 with leucine.
Molecular consequence: missense variant.
Genome position (GRCh38, 1-based): chr15:26,940,071, G>C. VCF-style: chr15-26940071-G-C. GRCh37 (hg19) VCF-style: chr15-27185218-G-C.
Other names: c.871G>C, p.Val291Leu (NM_001165037.2); short protein forms V291L.
Identifiers: ClinVar variation 1207653 (VCV001207653.3), dbSNP rs2140588007, ClinGen allele CA391460323.